The following is an entry in ClinVar:

NM_001286581.2(PHRF1):c.3141C>A (p.Ser1047=)

Gene: PHRF1 (PHD and ring finger domains 1; plus strand). Cytogenetic location: 11p15.5.
Variant type: single nucleotide variant.
Coding change: c.3141C>A on transcript NM_001286581.2 (MANE Select); coding-DNA position 3141, C replaced by A.
Protein change: p.Ser1047=; no amino-acid change (serine 1047 retained).
Molecular consequence: synonymous variant.
Genome position (GRCh38, 1-based): chr11:608,597, C>A. VCF-style: chr11-608597-C-A. GRCh37 (hg19) VCF-style: chr11-608597-C-A.
Other names: c.3135C>A, p.Ser1045= (NM_001286582.2); c.3129C>A, p.Ser1043= (NM_001286583.2); c.3138C>A, p.Ser1046= (NM_020901.4).
Identifiers: ClinVar variation 2641078 (VCV002641078.24), dbSNP rs371780907, ClinGen allele CA5782718.
Genomic context (GRCh38, chr11:608,597, plus strand): 5'-CAGGAGCTCGAGGTCAGCGTCACCATCAGTGGGTGAGGAGCGCCCCAGGAGGCAGCGGTC[C>A]AAGGCCAAGAGCCGGCGGTCCTCCAGTGACCGCTCCAGCAGCCGAGAGCGAGCTAAGAGG-3'
Protein context (NP_001273510.1, residues 1037-1057): VGEERPRRQR[Ser1047=]KAKSRRSSSD

ClinVar aggregate classification (germline): Likely benign (1 of 4 stars; one submission).

Allele frequency attached by ClinVar (database versions not stated): 1000 Genomes Project 30x 0.00031; 1000 Genomes Project 0.00040; TOPMed 0.00085; ESP Exome Variant Server 0.00147.
gnomAD v4.1: 1,703 of 1,612,256 alleles (0.11%); highest among the groups gnomAD compares: Non-Finnish European, 0.13%; 2 homozygotes.

Submission:

CeGaT Center for Human Genetics Tuebingen
Classification: Likely benign. Last evaluated: 2022-07-01. Review status: criteria provided, single submitter. Criteria: CeGaT Center For Human Genetics Tuebingen Variant Classification Criteria Version 2. Collection method: clinical testing. Allele origin: germline. Affected: yes. Observed: 1 variant allele.
Comment: PHRF1: BP4, BP7